The following is an entry in ClinVar:

NM_000535.7(PMS2):c.899C>G (p.Ala300Gly)

Gene: PMS2 (PMS1 homolog 2, mismatch repair system component; minus strand). Cytogenetic location: 7p22.1.
Variant type: single nucleotide variant.
Coding change: c.899C>G on transcript NM_000535.7 (MANE Select); coding-DNA position 899, C replaced by G.
Protein change: p.Ala300Gly; replaces alanine 300 with glycine.
Molecular consequence: missense variant. On other transcripts: 5 prime UTR variant (2), non-coding transcript variant (1), intron variant (4).
Genome position (GRCh38, 1-based): chr7:5,995,538, G>C on the plus strand (C>G on the coding strand, the complement: PMS2 is on the minus strand). VCF-style: chr7-5995538-G-C. GRCh37 (hg19) VCF-style: chr7-6035169-G-C.
Other names: c.494C>G, p.Ala165Gly (NM_001406888.1, NM_001406889.1, NM_001406890.1 and 19 more transcripts); c.581C>G, p.Ala194Gly (NM_001322007.2, NM_001322008.2, NM_001406876.1 and 4 more transcripts); c.-35C>G (NM_001322011.2, NM_001322012.2); c.326C>G, p.Ala109Gly (NM_001322013.2, NM_001406909.1); c.899C>G, p.Ala300Gly (NM_001322014.2, NM_001406870.1, NM_001406871.1 and 2 more transcripts); c.590C>G, p.Ala197Gly (NM_001322015.2, NM_001406875.1, NM_001406877.1 and 6 more transcripts); c.1085C>G, p.Ala362Gly (NM_001406866.1); c.923C>G, p.Ala308Gly (NM_001406868.1); and 8 more; short protein forms A165G, A244G, A300G, A109G, A129G, A194G, A264G, A188G.
Identifiers: ClinVar variation 3639362 (VCV003639362.2).

ClinVar aggregate classification (germline): Uncertain significance (1 of 4 stars; one submission).

Conditions:
Hereditary nonpolyposis colorectal neoplasms. Identifiers: MedGen C0009405, MeSH D003123.

Submission:

Labcorp Genetics (formerly Invitae), Labcorp
Classification: Uncertain significance for Hereditary nonpolyposis colorectal neoplasms. Last evaluated: 2024-02-07. Review status: criteria provided, single submitter. Criteria: Invitae Variant Classification Sherloc (09022015). Collection method: clinical testing. Allele origin: germline.
Comment: This sequence change replaces alanine, which is neutral and non-polar, with glycine, which is neutral and non-polar, at codon 300 of the PMS2 protein (p.Ala300Gly). This variant is not present in population databases (gnomAD no frequency). This variant has not been reported in the literature in individuals affected with PMS2-related conditions. Advanced modeling of protein sequence and biophysical properties (such as structural, functional, and spatial information, amino acid conservation, physicochemical variation, residue mobility, and thermodynamic stability) performed at Invitae indicates that this missense variant is not expected to disrupt PMS2 protein function with a negative predictive value of 80%. In summary, the available evidence is currently insufficient to determine the role of this variant in disease. Therefore, it has been classified as a Variant of Uncertain Significance.